The following is an entry in ClinVar:

ClinVar aggregate classification (germline): Likely benign (1 of 4 stars; one submission).

Conditions:
SLC7A2-related disorder. Also called: SLC7A2-related condition.

gnomAD v4.1: 236 of 1,613,922 alleles (0.015%); highest among the groups gnomAD compares: East Asian, 0.058%; 2 homozygotes.

Submission:

PreventionGenetics, part of Exact Sciences
Classification: Likely benign for SLC7A2-related condition. Last evaluated: 2026-02-04. Review status: criteria provided, single submitter. Criteria: ACMG Guidelines, 2015. Collection method: clinical testing. Allele origin: germline.
Comment: This variant is classified as likely benign based on ACMG/AMP sequence variant interpretation guidelines (Richards et al. 2015 PMID: 25741868, with internal and published modifications).

NM_001370338.1(SLC7A2):c.1543G>A (p.Gly515Arg)

Gene: SLC7A2 (solute carrier family 7 member 2; plus strand). Cytogenetic location: 8p22.
Variant type: single nucleotide variant.
Coding change: c.1543G>A on transcript NM_001370338.1 (MANE Select); coding-DNA position 1543, G replaced by A.
Protein change: p.Gly515Arg; replaces glycine 515 with arginine.
Molecular consequence: missense variant.
Genome position (GRCh38, 1-based): chr8:17,561,982, G>A. VCF-style: chr8-17561982-G-A. GRCh37 (hg19) VCF-style: chr8-17419491-G-A.
Other names: c.1543G>A, p.Gly515Arg (NM_001008539.4); c.1663G>A, p.Gly555Arg (NM_001164771.2); c.1540G>A, p.Gly514Arg (NM_001370337.1); c.1660G>A, p.Gly554Arg (NM_003046.6); short protein forms G514R, G554R, G515R, G555R.
Identifiers: ClinVar variation 4979384 (VCV004979384.1).